The following is an entry in ClinVar:

NM_000492.4(CFTR):c.3485G>C (p.Arg1162Pro)

Genes: CFTR (CF transmembrane conductance regulator; plus strand), CFTR-AS2 (CFTR antisense RNA 2; minus strand). Cytogenetic location: 7q31.2.
Variant type: single nucleotide variant.
Coding change: c.3485G>C on transcript NM_000492.4 (MANE Select); coding-DNA position 3485, G replaced by C.
Protein change: p.Arg1162Pro; replaces arginine 1162 with proline.
Molecular consequence: missense variant.
Genome position (GRCh38, 1-based): chr7:117,627,538, G>C. VCF-style: chr7-117627538-G-C. GRCh37 (hg19) VCF-style: chr7-117267592-G-C.
Other names: short protein forms R1162P.
Identifiers: ClinVar variation 1313092 (VCV001313092.2), dbSNP rs1800120, ClinGen allele CA164976465.
Genomic context (GRCh38, chr7:117,627,538, plus strand): 5'-GTCTGCCATTCTTAAAAACAAAAATGTTGTTATTTTTATTTCAGATGCGATCTGTGAGCC[G>C]AGTCTTTAAGTTCATTGACATGCCAACAGAAGGTAAACCTACCAAGTCAACCAAACCATA-3'
Protein context (NP_000483.3, residues 1152-1172): DVDSLMRSVS[Arg1162Pro]VFKFIDMPTE

ClinVar aggregate classification (germline): Uncertain significance (1 of 4 stars; one submission).

gnomAD v4.1: 8 of 1,613,148 alleles (0.0005%); highest among the groups gnomAD compares: South Asian, 0.0088%; no homozygotes.

Submission:

GeneDx
Classification: Uncertain significance. Last evaluated: 2020-07-13. Review status: criteria provided, single submitter. Criteria: GeneDx Variant Classification Process June 2021. Collection method: clinical testing. Allele origin: germline. Affected: yes.
Comment: Not observed in large population cohorts (Lek 2016); In silico analysis supports that this missense variant has a deleterious effect on protein structure/function; Has not been previously published as pathogenic or benign to our knowledge